The following is an entry in ClinVar:

ClinVar aggregate classification (germline): Uncertain significance (1 of 4 stars; one submission).

Allele frequency attached by ClinVar (database versions not stated): TOPMed below 0.00001; gnomAD exomes 0.00001; ExAC 0.00009.
gnomAD v4.1: 9 of 1,544,626 alleles (0.00058%); highest among the groups gnomAD compares: South Asian, 0.0036%; no homozygotes.

Submission:

Labcorp Genetics (formerly Invitae), Labcorp
Classification: Uncertain significance. Last evaluated: 2024-10-16. Review status: criteria provided, single submitter. Criteria: Invitae Variant Classification Sherloc (09022015). Collection method: clinical testing. Allele origin: germline.
Comment: This sequence change replaces serine, which is neutral and polar, with leucine, which is neutral and non-polar, at codon 1353 of the DCHS1 protein (p.Ser1353Leu). This variant is present in population databases (rs777134712, gnomAD 0.01%). This variant has not been reported in the literature in individuals affected with DCHS1-related conditions. ClinVar contains an entry for this variant (Variation ID: 2101817). Invitae Evidence Modeling of protein sequence and biophysical properties (such as structural, functional, and spatial information, amino acid conservation, physicochemical variation, residue mobility, and thermodynamic stability) has been performed for this missense variant. However, the output from this modeling did not meet the statistical confidence thresholds required to predict the impact of this variant on DCHS1 protein function. In summary, the available evidence is currently insufficient to determine the role of this variant in disease. Therefore, it has been classified as a Variant of Uncertain Significance.

NM_003737.4(DCHS1):c.4058C>T (p.Ser1353Leu)

Gene: DCHS1 (dachsous cadherin-related 1; minus strand). Cytogenetic location: 11p15.4.
Variant type: single nucleotide variant.
Coding change: c.4058C>T on transcript NM_003737.4 (MANE Select); coding-DNA position 4058, C replaced by T.
Protein change: p.Ser1353Leu; replaces serine 1353 with leucine.
Molecular consequence: missense variant.
Genome position (GRCh38, 1-based): chr11:6,630,736, G>A on the plus strand (C>T on the coding strand, the complement: DCHS1 is on the minus strand). VCF-style: chr11-6630736-G-A. GRCh37 (hg19) VCF-style: chr11-6651967-G-A.
Other names: short protein forms S1353L.
Identifiers: ClinVar variation 2101817 (VCV002101817.4), dbSNP rs777134712, ClinGen allele CA5860381.